The following is an entry in ClinVar:

NM_139058.3(ARX):c.553C>T (p.Pro185Ser)

Gene: ARX (aristaless related homeobox; minus strand). Cytogenetic location: Xp21.3.
Variant type: single nucleotide variant.
Coding change: c.553C>T on transcript NM_139058.3 (MANE Select); coding-DNA position 553, C replaced by T.
Protein change: p.Pro185Ser; replaces proline 185 with serine.
Molecular consequence: missense variant.
Genome position (GRCh38, 1-based): chrX:25,013,442, G>A on the plus strand (C>T on the coding strand, the complement: ARX is on the minus strand). VCF-style: chrX-25013442-G-A. GRCh37 (hg19) VCF-style: chrX-25031559-G-A.
Other names: short protein forms P185S.
Identifiers: ClinVar variation 845059 (VCV000845059.10), dbSNP rs2048711460, ClinGen allele CA412612926.

ClinVar aggregate classification (germline): Uncertain significance (1 of 4 stars; one submission).

Conditions:
Developmental and epileptic encephalopathy, 1 (DEE1). Also called: INFANTILE SPASM SYNDROME, X-LINKED 1; Epileptic encephalopathy, early infantile, 1; X-linked infantile spasms; West's syndrome; Tonic spasms with clustering, arrest of psychomotor development and hypsarrhythmia on EEG; X-Linked Infantile Spasm Syndrome. Identifiers: MedGen C3463992, MONDO:0010632, OMIM 308350. Disease mechanism: loss of function.
Intellectual disability, X-linked, with or without seizures, ARX-related. Also called: MENTAL RETARDATION, X-LINKED 29; MENTAL RETARDATION, X-LINKED 32; MENTAL RETARDATION, X-LINKED 33; MENTAL RETARDATION, X-LINKED 38; MENTAL RETARDATION, X-LINKED 43; MENTAL RETARDATION, X-LINKED 76. Identifiers: Orphanet 777, MedGen C0796244, MONDO:0010317, OMIM 300419.

Submission:

Labcorp Genetics (formerly Invitae), Labcorp
Classification: Uncertain significance for Developmental and epileptic encephalopathy, 1; Intellectual disability, X-linked, with or without seizures, ARX-related. Last evaluated: 2019-01-26. Review status: criteria provided, single submitter. Criteria: Invitae Variant Classification Sherloc (09022015). Collection method: clinical testing. Allele origin: germline.
Comment: In summary, the available evidence is currently insufficient to determine the role of this variant in disease. Therefore, it has been classified as a Variant of Uncertain Significance. Algorithms developed to predict the effect of missense changes on protein structure and function (SIFT, PolyPhen-2, Align-GVGD) all suggest that this variant is likely to be tolerated, but these predictions have not been confirmed by published functional studies and their clinical significance is uncertain. This variant has not been reported in the literature in individuals with ARX-related conditions. The frequency data for this variant in the population databases is considered unreliable, as metrics indicate insufficient coverage at this position in the ExAC database. This sequence change replaces proline with serine at codon 185 of the ARX protein (p.Pro185Ser). The proline residue is moderately conserved and there is a moderate physicochemical difference between proline and serine.